The following is an entry in ClinVar:

ClinVar aggregate classification (germline): Uncertain significance (1 of 4 stars; one submission).

Conditions:
Haddad syndrome (OHD). Also called: Ondine-Hirschsprung disease. Identifiers: Orphanet 99803, MedGen C1859049, MONDO:0020493.

Allele frequency attached by ClinVar (database versions not stated): gnomAD exomes below 0.00001.
gnomAD v4.1: 3 of 1,571,436 alleles (0.00019%); highest among the groups gnomAD compares: East Asian, 0.0024%; no homozygotes.

Submission:

Labcorp Genetics (formerly Invitae), Labcorp
Classification: Uncertain significance for Haddad syndrome. Last evaluated: 2022-10-05. Review status: criteria provided, single submitter. Criteria: Invitae Variant Classification Sherloc (09022015). Collection method: clinical testing. Allele origin: germline.
Comment: This variant is not present in population databases (gnomAD no frequency). This sequence change replaces serine, which is neutral and polar, with glycine, which is neutral and non-polar, at codon 219 of the PHOX2B protein (p.Ser219Gly). This variant has not been reported in the literature in individuals affected with PHOX2B-related conditions. ClinVar contains an entry for this variant (Variation ID: 579594). Advanced modeling of protein sequence and biophysical properties (such as structural, functional, and spatial information, amino acid conservation, physicochemical variation, residue mobility, and thermodynamic stability) performed at Invitae indicates that this missense variant is not expected to disrupt PHOX2B protein function. In summary, the available evidence is currently insufficient to determine the role of this variant in disease. Therefore, it has been classified as a Variant of Uncertain Significance.

NM_003924.4(PHOX2B):c.655A>G (p.Ser219Gly)

Gene: PHOX2B (paired like homeobox 2B; minus strand). Cytogenetic location: 4p13.
Variant type: single nucleotide variant.
Coding change: c.655A>G on transcript NM_003924.4 (MANE Select); coding-DNA position 655, A replaced by G.
Protein change: p.Ser219Gly; replaces serine 219 with glycine.
Molecular consequence: missense variant.
Genome position (GRCh38, 1-based): chr4:41,746,097, T>C on the plus strand (A>G on the coding strand, the complement: PHOX2B is on the minus strand). VCF-style: chr4-41746097-T-C. GRCh37 (hg19) VCF-style: chr4-41748114-T-C.
Other names: short protein forms S219G.
Identifiers: ClinVar variation 579594 (VCV000579594.10), dbSNP rs1560465666, ClinGen allele CA356737489.